The following is an entry in ClinVar:

ClinVar aggregate classification (germline): Uncertain significance (1 of 4 stars; one submission).

Conditions:
Ullrich congenital muscular dystrophy 2 (UCMD2). Identifiers: Orphanet 75840, MedGen C4225314, MONDO:0014654, OMIM 616470.
Bethlem myopathy 2 (BTHLM2). Identifiers: Orphanet 536516, Orphanet 610, MedGen C4225313, MONDO:0034022, OMIM 616471.

Submission:

Labcorp Genetics (formerly Invitae), Labcorp
Classification: Uncertain significance for Bethlem myopathy 2; Ullrich congenital muscular dystrophy 2. Last evaluated: 2023-10-14. Review status: criteria provided, single submitter. Criteria: Invitae Variant Classification Sherloc (09022015). Collection method: clinical testing. Allele origin: germline.
Comment: This sequence change replaces glutamic acid, which is acidic and polar, with glutamine, which is neutral and polar, at codon 1640 of the COL12A1 protein (p.Glu1640Gln). This variant is not present in population databases (gnomAD no frequency). This variant has not been reported in the literature in individuals affected with COL12A1-related conditions. Advanced modeling of protein sequence and biophysical properties (such as structural, functional, and spatial information, amino acid conservation, physicochemical variation, residue mobility, and thermodynamic stability) performed at Invitae indicates that this missense variant is not expected to disrupt COL12A1 protein function. In summary, the available evidence is currently insufficient to determine the role of this variant in disease. Therefore, it has been classified as a Variant of Uncertain Significance.

NM_004370.6(COL12A1):c.4918G>C (p.Glu1640Gln)

Gene: COL12A1 (collagen type XII alpha 1 chain; minus strand). Cytogenetic location: 6q13.
Variant type: single nucleotide variant.
Coding change: c.4918G>C on transcript NM_004370.6 (MANE Select); coding-DNA position 4918, G replaced by C.
Protein change: p.Glu1640Gln; replaces glutamic acid 1640 with glutamine.
Molecular consequence: missense variant.
Genome position (GRCh38, 1-based): chr6:75,142,071, C>G on the plus strand (G>C on the coding strand, the complement: COL12A1 is on the minus strand). VCF-style: chr6-75142071-C-G. GRCh37 (hg19) VCF-style: chr6-75851787-C-G.
Other names: c.4918G>C, p.Glu1640Gln (NM_001424113.1, NM_001424114.1); c.4645G>C, p.Glu1549Gln (NM_001424115.1); c.1426G>C, p.Glu476Gln (NM_001424116.1, NM_080645.3); short protein forms E1549Q, E1640Q, E476Q.
Identifiers: ClinVar variation 2950471 (VCV002950471.3), dbSNP rs780206104, ClinGen allele CA364740533.